The following is an entry in ClinVar:

ClinVar aggregate classification (germline): Uncertain significance (1 of 4 stars; one submission).

gnomAD v4.1: 13 of 1,613,422 alleles (0.00081%); highest among the groups gnomAD compares: Non-Finnish European, 0.001%; no homozygotes.

Submission:

Women's Health and Genetics/Laboratory Corporation of America, LabCorp
Classification: Uncertain significance. Last evaluated: 2024-12-26. Review status: criteria provided, single submitter. Criteria: LabCorp Variant Classification Summary - May 2015. Collection method: clinical testing. Allele origin: germline.
Comment: Variant summary: VWF c.6029G>A (p.Ser2010Asn) results in a conservative amino acid change located in the fourth von Willebrand factor, type D domain (IPR001846) of the encoded protein sequence. Five of five in-silico tools predict a benign effect of the variant on protein function. The variant allele was found at a frequency of 2.4e-05 in 251234 control chromosomes (gnomAD). The available data on variant occurrences in the general population are insufficient to allow any conclusion about variant significance. To our knowledge, no occurrence of c.6029G>A in individuals affected with Von Willebrand Disease and no experimental evidence demonstrating its impact on protein function have been reported. No submitters have cited clinical-significance assessments for this variant to ClinVar. Based on the evidence outlined above, the variant was classified as uncertain significance.

NM_000552.5(VWF):c.6029G>A (p.Ser2010Asn)

Gene: VWF (von Willebrand factor; minus strand). Cytogenetic location: 12p13.31.
Variant type: single nucleotide variant.
Coding change: c.6029G>A on transcript NM_000552.5 (MANE Select); coding-DNA position 6029, G replaced by A.
Protein change: p.Ser2010Asn; replaces serine 2010 with asparagine.
Molecular consequence: missense variant.
Genome position (GRCh38, 1-based): chr12:5,996,036, C>T on the plus strand (G>A on the coding strand, the complement: VWF is on the minus strand). VCF-style: chr12-5996036-C-T. GRCh37 (hg19) VCF-style: chr12-6105202-C-T.
Other names: short protein forms S2010N.
Identifiers: ClinVar variation 3768422 (VCV003768422.1).